The following is an entry in ClinVar:

NM_015338.6(ASXL1):c.1502C>G (p.Ser501Cys)

Gene: ASXL1 (ASXL transcriptional regulator 1; plus strand). Cytogenetic location: 20q11.21.
Variant type: single nucleotide variant.
Coding change: c.1502C>G on transcript NM_015338.6 (MANE Select); coding-DNA position 1502, C replaced by G.
Protein change: p.Ser501Cys; replaces serine 501 with cysteine.
Molecular consequence: missense variant.
Genome position (GRCh38, 1-based): chr20:32,433,700, C>G. VCF-style: chr20-32433700-C-G. GRCh37 (hg19) VCF-style: chr20-31021503-C-G.
Other names: c.1319C>G, p.Ser440Cys (NM_001363734.1); short protein forms S501C, S440C.
Identifiers: ClinVar variation 3439803 (VCV003439803.1).

ClinVar aggregate classification (germline): Uncertain significance (1 of 4 stars; one submission).

Conditions:
Inborn genetic diseases. Identifiers: MedGen C0950123, MeSH D030342.

gnomAD v4.1: 3 of 1,612,072 alleles (0.00019%); highest among the groups gnomAD compares: Non-Finnish European, 0.00025%; no homozygotes.

Submission:

Ambry Genetics
Classification: Uncertain significance for Inborn genetic diseases. Last evaluated: 2024-12-08. Review status: criteria provided, single submitter. Criteria: Ambry Variant Classification Scheme 2023. Collection method: clinical testing. Allele origin: germline.
Comment: The p.S501C variant (also known as c.1502C>G), located in coding exon 12 of the ASXL1 gene, results from a C to G substitution at nucleotide position 1502. The serine at codon 501 is replaced by cysteine, an amino acid with dissimilar properties. This amino acid position is conserved. In addition, this alteration is predicted to be tolerated by in silico analysis. Based on the available evidence, the clinical significance of this variant remains unclear.